The following is an entry in ClinVar:

NM_000440.3(PDE6A):c.1216C>A (p.Arg406Ser)

Gene: PDE6A (phosphodiesterase 6A; minus strand). Cytogenetic location: 5q32.
Variant type: single nucleotide variant.
Coding change: c.1216C>A on transcript NM_000440.3 (MANE Select); coding-DNA position 1216, C replaced by A.
Protein change: p.Arg406Ser; replaces arginine 406 with serine.
Molecular consequence: missense variant.
Genome position (GRCh38, 1-based): chr5:149,899,422, G>T on the plus strand (C>A on the coding strand, the complement: PDE6A is on the minus strand). VCF-style: chr5-149899422-G-T. GRCh37 (hg19) VCF-style: chr5-149278985-G-T.
Other names: short protein forms R406S.
Identifiers: ClinVar variation 956887 (VCV000956887.9), dbSNP rs745976733, ClinGen allele CA3504758.

ClinVar aggregate classification (germline): Uncertain significance (1 of 4 stars; one submission).

Allele frequency attached by ClinVar (database versions not stated): ExAC 0.00002.
gnomAD v4.1: 7 of 1,614,078 alleles (0.00043%); highest among the groups gnomAD compares: Non-Finnish European, 0.00059%; no homozygotes.

Submission:

Labcorp Genetics (formerly Invitae), Labcorp
Classification: Uncertain significance. Last evaluated: 2019-09-20. Review status: criteria provided, single submitter. Criteria: Invitae Variant Classification Sherloc (09022015). Collection method: clinical testing. Allele origin: germline.
Comment: In summary, the available evidence is currently insufficient to determine the role of this variant in disease. Therefore, it has been classified as a Variant of Uncertain Significance. Algorithms developed to predict the effect of sequence changes on RNA splicing suggest that this variant may create or strengthen a splice site, but this prediction has not been confirmed by published transcriptional studies. Algorithms developed to predict the effect of missense changes on protein structure and function are either unavailable or do not agree on the potential impact of this missense change (SIFT: "Deleterious"; PolyPhen-2: "Probably Damaging"; Align-GVGD: "Class C0"). This variant has not been reported in the literature in individuals with PDE6A-related conditions. This variant is present in population databases (rs745976733, ExAC 0.003%). This sequence change replaces arginine with serine at codon 406 of the PDE6A protein (p.Arg406Ser). The arginine residue is highly conserved and there is a moderate physicochemical difference between arginine and serine.